The following is an entry in ClinVar:

ClinVar aggregate classification (germline): Likely benign (0 of 4 stars; one submission).

Conditions:
ABCC6-related disorder. Also called: ABCC6-related condition.

Allele frequency attached by ClinVar (database versions not stated): gnomAD 0.00001; ExAC 0.00002; 1000 Genomes Project 30x 0.00016; 1000 Genomes Project 0.00020.
gnomAD v4.1: 23 of 1,613,972 alleles (0.0014%); highest among the groups gnomAD compares: South Asian, 0.023%; no homozygotes.

Submission:

PreventionGenetics, part of Exact Sciences
Classification: Likely benign for ABCC6-related condition. Last evaluated: 2019-06-08. Review status: no assertion criteria provided. Collection method: clinical testing. Allele origin: germline.
Comment: This variant is classified as likely benign based on ACMG/AMP sequence variant interpretation guidelines (Richards et al. 2015 PMID: 25741868, with internal and published modifications).

NM_001171.6(ABCC6):c.3506+22A>T

Gene: ABCC6 (ATP binding cassette subfamily C member 6; minus strand). Cytogenetic location: 16p13.11.
Variant type: single nucleotide variant.
Coding change: c.3506+22A>T on transcript NM_001171.6 (MANE Select); 22 bases into the intron after coding-DNA position 3506, A replaced by T.
Molecular consequence: intron variant.
Genome position (GRCh38, 1-based): chr16:16,162,971, T>A on the plus strand (A>T on the coding strand, the complement: ABCC6 is on the minus strand). VCF-style: chr16-16162971-T-A. GRCh37 (hg19) VCF-style: chr16-16256828-T-A.
Other names: c.3164+22A>T (NM_001351800.1).
Identifiers: ClinVar variation 3044411 (VCV003044411.2), dbSNP rs570982183, ClinGen allele CA7925563.